The following is an entry in ClinVar:

ClinVar aggregate classification (germline): Uncertain significance (1 of 4 stars; one submission).

Allele frequency attached by ClinVar (database versions not stated): ExAC 0.00001; gnomAD exomes 0.00001 and 0.00002; TOPMed 0.00002; gnomAD 0.00003.
gnomAD v4.1: 20 of 1,612,566 alleles (0.0012%); highest among the groups gnomAD compares: Admixed American, 0.0033%; no homozygotes.

Submission:

Labcorp Genetics (formerly Invitae), Labcorp
Classification: Uncertain significance. Last evaluated: 2022-08-22. Review status: criteria provided, single submitter. Criteria: Invitae Variant Classification Sherloc (09022015). Collection method: clinical testing. Allele origin: germline.
Comment: In summary, the available evidence is currently insufficient to determine the role of this variant in disease. Therefore, it has been classified as a Variant of Uncertain Significance. Algorithms developed to predict the effect of missense changes on protein structure and function are either unavailable or do not agree on the potential impact of this missense change (SIFT: "Tolerated"; PolyPhen-2: "Probably Damaging"; Align-GVGD: "Class C0"). ClinVar contains an entry for this variant (Variation ID: 1359724). This variant has not been reported in the literature in individuals affected with RBP3-related conditions. This variant is present in population databases (rs782814039, gnomAD 0.008%). This sequence change replaces threonine, which is neutral and polar, with methionine, which is neutral and non-polar, at codon 279 of the RBP3 protein (p.Thr279Met).

NM_002900.3(RBP3):c.836C>T (p.Thr279Met)

Gene: RBP3 (retinol binding protein 3; plus strand). Cytogenetic location: 10q11.22.
Variant type: single nucleotide variant.
Coding change: c.836C>T on transcript NM_002900.3 (MANE Select); coding-DNA position 836, C replaced by T.
Protein change: p.Thr279Met; replaces threonine 279 with methionine.
Molecular consequence: missense variant.
Genome position (GRCh38, 1-based): chr10:47,349,320, C>T. VCF-style: chr10-47349320-C-T. GRCh37 (hg19) VCF-style: chr10-48390042-G-A.
Other names: short protein forms T279M.
Identifiers: ClinVar variation 1359724 (VCV001359724.4), dbSNP rs782814039, ClinGen allele CA5487680.